The following is an entry in ClinVar:

ClinVar aggregate classification (germline): Conflicting classifications of pathogenicity. Review status: criteria provided, conflicting classifications (1 of 4 stars). 11 submissions from 11 submitters: Pathogenic (1); Likely pathogenic (5); Uncertain significance (2); Likely benign (2). 1 of the submissions does not count toward it. Last evaluated 2026-10-31.

Conditions:
Propionic acidemia (PROP). Also called: GLYCINEMIA, KETOTIC; HYPERGLYCINEMIA WITH KETOACIDOSIS AND LEUKOPENIA; KETOTIC HYPERGLYCINEMIA. Identifiers: Orphanet 35, MedGen C0268579, MONDO:0011628, OMIM 606054, HP:0003571.
Inborn genetic diseases. Identifiers: MedGen C0950123, MeSH D030342.

Allele frequency attached by ClinVar (database versions not stated): gnomAD exomes 0.00003; TOPMed 0.00006; ExAC 0.00001; gnomAD 0.00003.
gnomAD v4.1: 32 of 1,438,802 alleles (0.0022%); highest among the groups gnomAD compares: Middle Eastern, 0.018%; no homozygotes.

Submissions (11):

Department of Molecular Genetics, Istishari Arab Hospital
Classification: Likely pathogenic for Propionic acidemia. Last evaluated: 2026-10-31. Review status: criteria provided, single submitter. Criteria: ACMG Guidelines, 2015. Collection method: clinical testing. Allele origin: germline. Inheritance: Autosomal recessive inheritance. Affected: yes.
Comment: The PCCA variant c.802C>T p.Arg268Cys creates an amino acid change from Arg to Cys at position 268. This variant has been previously described as disease-causing for propionic acidemia (PMID: 36662638, 35331292). It is classified as likely pathogenic based on the implementation of the ACMG/AMP/ClinGen SVI guidelines.

Ambry Genetics
Classification: Pathogenic for Inborn genetic diseases. Last evaluated: 2026-03-30. Review status: criteria provided, single submitter. Criteria: Ambry Variant Classification Scheme 2023. Collection method: clinical testing. Allele origin: germline.
Comment: The c.802C>T (p.R268C) alteration is located in exon 10 (coding exon 10) of the PCCA gene. This alteration results from a C to T substitution at nucleotide position 802, causing the arginine (R) at amino acid position 268 to be replaced by a cysteine (C). Based on data from gnomAD, the T allele has an overall frequency of 0.003% (8/249150) total alleles studied. The highest observed frequency was 0.006% (1/15846) of African alleles. This variant has been identified in conjunction with other PCCA variant(s) in individual(s) with features consistent with propionic acidemia; in at least one instance, the variants were identified in trans (Wang, 2018; Shchelochkov, 2019). Additionally, other variant(s) at the same codon, c.803C>T, (p.R268L), have been identified in individual(s) with features consistent with propionic acidemia (Liu, 2022). This amino acid position is highly conserved in available vertebrate species. This alteration is predicted to be deleterious by in silico analysis. Based on the available evidence, this alteration is classified as pathogenic.

Labcorp Genetics (formerly Invitae), Labcorp
Classification: Likely pathogenic for Propionic acidemia. Last evaluated: 2025-12-15. Review status: criteria provided, single submitter. Criteria: Invitae Variant Classification Sherloc (09022015). Collection method: clinical testing. Allele origin: germline.
Comment: This sequence change replaces arginine, which is basic and polar, with cysteine, which is neutral and slightly polar, at codon 268 of the PCCA protein (p.Arg268Cys). The frequency data for this variant in the population databases is considered unreliable, as metrics indicate poor data quality at this position in the gnomAD database. This missense change has been observed in individual(s) with propionic acidemia (PMID: 30186825). In at least one individual the data is consistent with being in trans (on the opposite chromosome) from a pathogenic variant. ClinVar contains an entry for this variant (Variation ID: 289402). Invitae Evidence Modeling of protein sequence and biophysical properties (such as structural, functional, and spatial information, amino acid conservation, physicochemical variation, residue mobility, and thermodynamic stability) indicates that this missense variant is not expected to disrupt PCCA protein function with a negative predictive value of 95%. This variant disrupts the p.Arg268 amino acid residue in PCCA. Other variant(s) that disrupt this residue have been observed in individuals with PCCA-related conditions (PMID: 30186825, 35331292), which suggests that this may be a clinically significant amino acid residue. In summary, the currently available evidence indicates that the variant is pathogenic, but additional data are needed to prove that conclusively. Therefore, this variant has been classified as Likely Pathogenic.

Natera, Inc.
Classification: Likely pathogenic for Propionic acidemia. Last evaluated: 2025-08-28. Review status: criteria provided, single submitter. Criteria: Natera Variant Classification Schema (03/2026). Collection method: clinical testing. Allele origin: germline.
Comment: The c.802C>T variant in PCCA is a missense variant predicted to cause substitution of arginine to cysteine at amino acid 268. This variant is rare in the general population with a frequency below the threshold expected for the associated phenotype(s). This variant has been observed in one or more individuals affected with the associated recessive disease, as either homozygous or compound heterozygous with a second variant (PMID: 30186825, 38200289). A different variant at the same position has been determined to be Pathogenic or Likely Pathogenic. Computational prediction algorithms indicate this variant is likely to affect gene or protein function. Given the available evidence, this variant is classified as Likely Pathogenic.

Fulgent Genetics
Classification: Likely pathogenic for Propionic acidemia. Last evaluated: 2024-04-15. Review status: criteria provided, single submitter. Criteria: ACMG Guidelines, 2015. Collection method: clinical testing. Allele origin: germline.

Genomic Medicine Center of Excellence, King Faisal Specialist Hospital and Research Centre
Classification: Likely benign for Propionic acidemia. Last evaluated: 2024-03-25. Review status: criteria provided, single submitter. Criteria: ACMG Guidelines, 2015. Collection method: clinical testing. Allele origin: germline.

Women's Health and Genetics/Laboratory Corporation of America, LabCorp
Classification: Uncertain significance. Last evaluated: 2023-11-21. Review status: criteria provided, single submitter. Criteria: LabCorp Variant Classification Summary - May 2015. Collection method: clinical testing. Allele origin: germline.
Comment: Variant summary: PCCA c.802C>T (p.Arg268Cys) results in a non-conservative amino acid change to a highly conserved residue (HGMD) in the encoded protein sequence. Five of five in-silico tools predict a damaging effect of the variant on protein function. The variant allele was found at a frequency of 3.2e-05 in 249150 control chromosomes (gnomAD). c.802C>T has been reported in the literature in individuals affected with Propionic Acidemia (Wang_2018, Liu_2023), and one was compound heterozygous with a truncating variant. These data indicate that the variant may be associated with disease. To our knowledge, no experimental evidence demonstrating an impact on protein function has been reported. The following publications have been ascertained in the context of this evaluation (PMID: 30186825, 36662638). Four submitters have cited clinical-significance assessments for this variant to ClinVar after 2014, and classified it as likely pathogenic (n=2), uncertain significance (n=1), or likely benign (n=1). Based on the evidence outlined above, the variant was classified as VUS-possibly pathogenic.

Blueprint Genetics
Classification: Uncertain significance. Last evaluated: 2022-04-08. Review status: criteria provided, single submitter. Criteria: ACMG Guidelines, 2015. Collection method: clinical testing. Allele origin: germline.

Biochemical Molecular Genetic Laboratory, King Abdulaziz Medical City
Classification: Likely benign for Propionic acidemia. Last evaluated: 2018-02-21. Review status: criteria provided, single submitter. Criteria: ACMG Guidelines, 2015. Collection method: clinical testing. Allele origin: germline. Inheritance: Autosomal recessive inheritance. Affected: no. Observed: 1 variant allele, 1 homozygote.
Comment: several normal organic acids results

Eurofins Ntd Llc (ga)
Classification: Likely pathogenic. Last evaluated: 2016-07-28. Review status: criteria provided, single submitter. Criteria: EGL Classification Definitions 2015. Collection method: clinical testing. Allele origin: germline. Observed: 1 variant allele, 1 heterozygote.

Counsyl
Classification: Uncertain significance for Propionic acidemia. Last evaluated: 2018-05-29. Review status: no assertion criteria provided. Collection method: clinical testing. Allele origin: unknown. Not counted in ClinVar's aggregate classification.

Literature cited by the submitters: PubMed 36662638 (cited by Department of Molecular Genetics, Istishari Arab Hospital and Women's Health and Genetics/Laboratory Corporation of America, LabCorp); PubMed 35331292 (cited by 3 submitters); PubMed 30186825 (cited by 4 submitters); PubMed 31249402 (cited by Ambry Genetics); PubMed 33028371 (cited by Ambry Genetics); PubMed 38200289 (cited by Natera, Inc.).

NM_000282.4(PCCA):c.802C>T (p.Arg268Cys)

Gene: PCCA (propionyl-CoA carboxylase subunit alpha; plus strand). Cytogenetic location: 13q32.3.
Variant type: single nucleotide variant.
Coding change: c.802C>T on transcript NM_000282.4 (MANE Select); coding-DNA position 802, C replaced by T.
Protein change: p.Arg268Cys; replaces arginine 268 with cysteine.
Molecular consequence: missense variant. On other transcripts: 5 prime UTR variant (3), non-coding transcript variant (5).
Genome position (GRCh38, 1-based): chr13:100,262,814, C>T. VCF-style: chr13-100262814-C-T. GRCh37 (hg19) VCF-style: chr13-100915068-C-T.
Other names: p.Arg268Cys; c.724C>T (NM_001127692.2); c.724C>T, p.Arg242Cys (NM_001127692.3, NM_001352607.2, NM_001352608.2); c.802C>T, p.Arg268Cys (NM_001178004.2, NM_001352605.2, NM_001352606.2 and 1 more transcripts); c.-144C>T (NM_001352610.2, NM_001352611.2, NM_001352612.2); short protein forms R268C, R242C.
Identifiers: ClinVar variation 289402 (VCV000289402.22), dbSNP rs774738181, ClinGen allele CA7033380.
Genomic context (GRCh38, chr13:100,262,814, plus strand): 5'-GAAGCTGCTTCTAGTTTTGGCGATGATAGACTACTAATAGAAAAATTTATTGATAATCCT[C>T]GTCATATAGAAATCCAGGTTGGTACATTTAAGATGCTTTTTCATTATTATTTTAAAATAA-3'
Protein context (NP_000273.2, residues 258-278): LLIEKFIDNP[Arg268Cys]HIEIQVLGDK